The following is an entry in ClinVar:

NM_000742.4(CHRNA2):c.527C>A (p.Pro176Gln)

Gene: CHRNA2 (cholinergic receptor nicotinic alpha 2 subunit; minus strand). Cytogenetic location: 8p21.2.
Variant type: single nucleotide variant.
Coding change: c.527C>A on transcript NM_000742.4 (MANE Select); coding-DNA position 527, C replaced by A.
Protein change: p.Pro176Gln; replaces proline 176 with glutamine.
Molecular consequence: missense variant. On other transcripts: intron variant (2).
Genome position (GRCh38, 1-based): chr8:27,463,916, G>T on the plus strand (C>A on the coding strand, the complement: CHRNA2 is on the minus strand). VCF-style: chr8-27463916-G-T. GRCh37 (hg19) VCF-style: chr8-27321433-G-T.
Other names: c.482C>A, p.Pro161Gln (NM_001282455.2); c.50C>A, p.Pro17Gln (NM_001347705.2, NM_001347706.2); c.-12-56C>A (NM_001347708.2); c.-9-59C>A (NM_001347707.2); short protein forms P161Q, P176Q, P17Q.
Identifiers: ClinVar variation 999717 (VCV000999717.11), dbSNP rs769273715, ClinGen allele CA4689640.

ClinVar aggregate classification (germline): Uncertain significance. Review status: criteria provided, multiple submitters, no conflicts (2 of 4 stars). 3 submissions from 3 submitters: Uncertain significance (3). Last evaluated 2025-12-16.

Conditions:
Familial sleep-related hypermotor epilepsy. Also called: Autosomal Dominant Sleep-Related Hypermotor (Hyperkinetic) Epilepsy. Identifiers: Orphanet 98784, MedGen C3696898, MONDO:0000030.

Allele frequency attached by ClinVar (database versions not stated): ExAC 0.00002.
gnomAD v4.1: 6 of 1,614,108 alleles (0.00037%); highest among the groups gnomAD compares: Admixed American, 0.01%; no homozygotes.

Submissions (3):

Labcorp Genetics (formerly Invitae), Labcorp
Classification: Uncertain significance. Last evaluated: 2025-12-16. Review status: criteria provided, single submitter. Criteria: Invitae Variant Classification Sherloc (09022015). Collection method: clinical testing. Allele origin: germline.
Comment: This sequence change replaces proline, which is neutral and non-polar, with glutamine, which is neutral and polar, at codon 176 of the CHRNA2 protein (p.Pro176Gln). This variant is present in population databases (rs769273715, gnomAD 0.01%). This variant has not been reported in the literature in individuals affected with CHRNA2-related conditions. This missense change has been observed in at least one individual who was not affected with CHRNA2-related conditions (internal data). ClinVar contains an entry for this variant (Variation ID: 999717). Invitae Evidence Modeling of protein sequence and biophysical properties (such as structural, functional, and spatial information, amino acid conservation, physicochemical variation, residue mobility, and thermodynamic stability) indicates that this missense variant is expected to disrupt CHRNA2 protein function with a positive predictive value of 80%. In summary, the available evidence is currently insufficient to determine the role of this variant in disease. Therefore, it has been classified as a Variant of Uncertain Significance.

GeneDx
Classification: Uncertain significance. Last evaluated: 2025-01-31. Review status: criteria provided, single submitter. Criteria: GeneDx Variant Classification Process June 2021. Collection method: clinical testing. Allele origin: germline. Affected: yes.
Comment: In silico analysis supports that this missense variant has a deleterious effect on protein structure/function; Has not been previously published as pathogenic or benign to our knowledge

Mayo Clinic Laboratories, Mayo Clinic
Classification: Uncertain significance. Last evaluated: 2019-12-11. Review status: criteria provided, single submitter. Criteria: ACMG Guidelines, 2015. Collection method: clinical testing. Allele origin: germline. Observed: 1 variant allele.